The following is an entry in ClinVar:

ClinVar aggregate classification (germline): Likely benign (1 of 4 stars; one submission).

Submission:

CeGaT Center for Human Genetics Tuebingen
Classification: Likely benign. Last evaluated: 2026-06-01. Review status: criteria provided, single submitter. Criteria: CeGaT Center For Human Genetics Tuebingen Variant Classification Criteria Version 2. Collection method: clinical testing. Allele origin: germline. Affected: yes. Observed: 3 variant alleles.
Comment: PRMT7: PM2:Supporting, BP4, BP7

NM_019023.5(PRMT7):c.1515G>C (p.Gly505=)

Gene: PRMT7 (protein arginine methyltransferase 7; plus strand). Cytogenetic location: 16q22.1.
Variant type: single nucleotide variant.
Coding change: c.1515G>C on transcript NM_019023.5 (MANE Select); coding-DNA position 1515, G replaced by C.
Protein change: p.Gly505=; no amino-acid change (glycine 505 retained).
Molecular consequence: synonymous variant. On other transcripts: non-coding transcript variant (12), intron variant (1).
Genome position (GRCh38, 1-based): chr16:68,352,349, G>C. VCF-style: chr16-68352349-G-C. GRCh37 (hg19) VCF-style: chr16-68386252-G-C.
Other names: c.1365G>C, p.Gly455= (NM_001184824.4); c.1515G>C, p.Gly505= (NM_001290018.2, NM_001351143.3, NM_001378018.1); c.1308G>C, p.Gly436= (NM_001378020.1); c.1278G>C, p.Gly426= (NM_001378021.1, NM_001378022.1, NM_001378023.1); c.1481+34G>C (NM_001351144.3).
Identifiers: ClinVar variation 2646658 (VCV002646658.24), dbSNP rs746661698, ClinGen allele CA496127592.
Genomic context (GRCh38, chr16:68,352,349, plus strand): 5'-GCTGCCGTGGCACAACCTCTACTTCTGGTACGTGCGGACCGCTGTGGACCAGCACCTGGG[G>C]CCAGGTGCCATGGTGATGCCCCAGGCAGCCTCGCTGCACGCTGTGGTTGTGGAGTTCAGG-3'
Protein context (NP_061896.1, residues 495-515): YVRTAVDQHL[Gly505=]PGAMVMPQAA